The following is an entry in ClinVar:

NM_001999.4(FBN2):c.1340A>G (p.Asn447Ser)

Gene: FBN2 (fibrillin 2; minus strand). Cytogenetic location: 5q23.3.
Variant type: single nucleotide variant.
Coding change: c.1340A>G on transcript NM_001999.4 (MANE Select); coding-DNA position 1340, A replaced by G.
Protein change: p.Asn447Ser; replaces asparagine 447 with serine.
Molecular consequence: missense variant.
Genome position (GRCh38, 1-based): chr5:128,393,260, T>C on the plus strand (A>G on the coding strand, the complement: FBN2 is on the minus strand). VCF-style: chr5-128393260-T-C. GRCh37 (hg19) VCF-style: chr5-127728953-T-C.
Other names: short protein forms N447S.
Identifiers: ClinVar variation 458733 (VCV000458733.11), dbSNP rs1554066013, ClinGen allele CA360749488.

ClinVar aggregate classification (germline): Conflicting classifications of pathogenicity. Review status: criteria provided, conflicting classifications (1 of 4 stars). 2 submissions from 2 submitters: Uncertain significance (1); Likely benign (1). Last evaluated 2026-03-19.

Conditions:
Congenital contractural arachnodactyly (CCA). Also called: Arthrogryposis, distal, type 9; Beals-Hecht syndrome; BEALS SYNDROME. Identifiers: Orphanet 115, MedGen C0220668, MONDO:0007363, OMIM 121050.
Familial thoracic aortic aneurysm and aortic dissection (TAAD). Also called: Thoracic aortic aneurysms and dissections. Identifiers: Orphanet 91387, MedGen C4707243, MONDO:0019625.

Allele frequency attached by ClinVar (database versions not stated): gnomAD exomes below 0.00001; TOPMed below 0.00001.
gnomAD v4.1: 3 of 1,614,168 alleles (0.00019%); highest among the groups gnomAD compares: Non-Finnish European, 0.00025%; no homozygotes.

Submissions (2):

Ambry Genetics
Classification: Likely benign for Familial thoracic aortic aneurysm and aortic dissection. Last evaluated: 2026-03-19. Review status: criteria provided, single submitter. Criteria: Ambry Variant Classification Scheme 2023. Collection method: clinical testing. Allele origin: germline.

Labcorp Genetics (formerly Invitae), Labcorp
Classification: Uncertain significance for Congenital contractural arachnodactyly. Last evaluated: 2024-08-19. Review status: criteria provided, single submitter. Criteria: Invitae Variant Classification Sherloc (09022015). Collection method: clinical testing. Allele origin: germline.
Comment: This sequence change replaces asparagine, which is neutral and polar, with serine, which is neutral and polar, at codon 447 of the FBN2 protein (p.Asn447Ser). This variant is not present in population databases (gnomAD no frequency). This variant has not been reported in the literature in individuals affected with FBN2-related conditions. ClinVar contains an entry for this variant (Variation ID: 458733). Invitae Evidence Modeling of protein sequence and biophysical properties (such as structural, functional, and spatial information, amino acid conservation, physicochemical variation, residue mobility, and thermodynamic stability) indicates that this missense variant is not expected to disrupt FBN2 protein function with a negative predictive value of 95%. In summary, the available evidence is currently insufficient to determine the role of this variant in disease. Therefore, it has been classified as a Variant of Uncertain Significance.